The following is an entry in ClinVar:

NM_004304.5(ALK):c.4850A>G (p.Gln1617Arg)

Gene: ALK (ALK receptor tyrosine kinase; minus strand). Cytogenetic location: 2p23.2.
Variant type: single nucleotide variant.
Coding change: c.4850A>G on transcript NM_004304.5 (MANE Select); coding-DNA position 4850, A replaced by G.
Protein change: p.Gln1617Arg; replaces glutamine 1617 with arginine.
Molecular consequence: missense variant.
Genome position (GRCh38, 1-based): chr2:29,193,237, T>C on the plus strand (A>G on the coding strand, the complement: ALK is on the minus strand). VCF-style: chr2-29193237-T-C. GRCh37 (hg19) VCF-style: chr2-29416103-T-C.
Other names: c.1646A>G, p.Gln549Arg (NM_001353765.2); short protein forms Q1617R, Q549R.
Identifiers: ClinVar variation 3223915 (VCV003223915.1), dbSNP rs2465872204, ClinGen allele CA346460013.

ClinVar aggregate classification (germline): Uncertain significance (1 of 4 stars; one submission).

Conditions:
Hereditary cancer-predisposing syndrome. Also called: Tumor predisposition; Hereditary neoplastic syndrome; Hereditary Cancer Syndrome; Neoplastic Syndromes, Hereditary. Identifiers: Orphanet 140162, MedGen C0027672, MeSH D009386, MONDO:0015356.

Submission:

Ambry Genetics
Classification: Uncertain significance for Hereditary cancer-predisposing syndrome. Last evaluated: 2023-09-19. Review status: criteria provided, single submitter. Criteria: Ambry Variant Classification Scheme 2023. Collection method: clinical testing. Allele origin: germline.
Comment: The p.Q1617R variant (also known as c.4850A>G), located in coding exon 29 of the ALK gene, results from an A to G substitution at nucleotide position 4850. The glutamine at codon 1617 is replaced by arginine, an amino acid with highly similar properties. This amino acid position is conserved. In addition, this alteration is predicted to be tolerated by in silico analysis. Since supporting evidence is limited at this time, the clinical significance of this alteration remains unclear.